The following is an entry in ClinVar:

NM_001903.5(CTNNA1):c.2571_2572del (p.Ser858fs)

Gene: CTNNA1 (catenin alpha 1; plus strand). Cytogenetic location: 5q31.2.
Variant type: Microsatellite.
Coding change: c.2571_2572del on transcript NM_001903.5 (MANE Select); coding-DNA positions 2571 to 2572, 2 bases deleted (GT; older notation c.2571_2572delGT).
Protein change: p.Ser858fs; shifts the reading frame from serine 858.
Molecular consequence: frameshift variant. On other transcripts: 3 prime UTR variant (5).
Genome position (GRCh38, 1-based): chr5:138,933,939-138,933,940, GT deleted; deleting any 2 consecutive bases within chr5:138,933,936-138,933,940 gives the same sequence; the c. name uses the placement nearest the transcript's 3' end. VCF-style (leftmost placement, unchanged base first): chr5-138933935-CTG-C. GRCh37 (hg19) VCF-style: chr5-138269624-CTG-C.
Other names: c.*114GT[1] (NM_001290307.3, NM_001324002.1, NM_001324003.1 and 2 more transcripts); c.2262_2263del, p.Ser755fs (NM_001290309.3); c.2202_2203del, p.Ser735fs (NM_001290310.3); c.1461_1462del, p.Ser488fs (NM_001290312.1, NM_001323987.1, NM_001323988.1 and 12 more transcripts); c.2571_2572del, p.Ser858fs (NM_001323982.2, NM_001323983.1, NM_001323984.2); c.2544_2545del, p.Ser849fs (NM_001323985.2); c.2478_2479del, p.Ser827fs (NM_001323986.2); c.1326_1327del, p.Ser443fs (NM_001324001.1); and 3 more; short protein forms S457fs, S488fs, S407fs, S443fs, S755fs, S375fs, S735fs, S827fs.
Identifiers: ClinVar variation 4712859 (VCV004712859.1).

ClinVar aggregate classification (germline): Uncertain significance (1 of 4 stars; one submission).

Submission:

Labcorp Genetics (formerly Invitae), Labcorp
Classification: Uncertain significance. Last evaluated: 2025-02-12. Review status: criteria provided, single submitter. Criteria: Invitae Variant Classification Sherloc (09022015). Collection method: clinical testing. Allele origin: germline.
Comment: This sequence change creates a premature translational stop signal (p.Ser858Metfs*19) in the CTNNA1 gene. While this is not anticipated to result in nonsense mediated decay, it is expected to disrupt the last 49 amino acid(s) of the CTNNA1 protein. This variant is not present in population databases (gnomAD no frequency). This variant has not been reported in the literature in individuals affected with CTNNA1-related conditions. Experimental studies and prediction algorithms are not available or were not evaluated, and the functional significance of this variant is currently unknown. In summary, the available evidence is currently insufficient to determine the role of this variant in disease. Therefore, it has been classified as a Variant of Uncertain Significance.